The following is an entry in ClinVar:

NM_005159.5(ACTC1):c.823G>A (p.Gly275Ser)

Genes: ACTC1 (actin alpha cardiac muscle 1; minus strand), GJD2-DT (GJD2 divergent transcript; plus strand). Cytogenetic location: 15q14.
Variant type: single nucleotide variant.
Coding change: c.823G>A on transcript NM_005159.5 (MANE Select); coding-DNA position 823, G replaced by A.
Protein change: p.Gly275Ser; replaces glycine 275 with serine.
Molecular consequence: missense variant.
Genome position (GRCh38, 1-based): chr15:34,791,281, C>T on the plus strand (G>A on the coding strand, the complement: ACTC1 is on the minus strand). VCF-style: chr15-34791281-C-T. GRCh37 (hg19) VCF-style: chr15-35083482-C-T.
Other names: c.823G>A, p.Gly275Ser (NM_001406482.1, NM_001406483.1); c.688G>A, p.Gly230Ser (NM_001406484.1); c.382G>A, p.Gly128Ser (NM_001406485.1); short protein forms G128S, G230S, G275S.
Identifiers: ClinVar variation 5037771 (VCV005037771.1).

ClinVar aggregate classification (germline): VUS-mid (1 of 4 stars; one submission).

Conditions:
Dilated cardiomyopathy 1R (CMD1R). Identifiers: Orphanet 154, Orphanet 54260, MedGen C3150681, MONDO:0013261, OMIM 613424.

Submission:

Center for Molecular Medicine, Children’s Hospital of Fudan University
Classification: VUS-mid for Dilated cardiomyopathy 1R. Last evaluated: 2025-12-12. Review status: criteria provided, single submitter. Criteria: ACMG Guidelines 2015. Collection method: clinical testing. Allele origin: unknown. Affected: yes.
Comment: PM2_PP+PP3